The following is an entry in ClinVar:

ClinVar aggregate classification (germline): Uncertain significance (1 of 4 stars; one submission).

Conditions:
RYR1-related disorder. Also called: RYR1-related condition; RYR1-related disorders. Identifiers: MedGen CN239331.

Submission:

Labcorp Genetics (formerly Invitae), Labcorp
Classification: Uncertain significance for RYR1-related disorder. Last evaluated: 2024-05-07. Review status: criteria provided, single submitter. Criteria: Invitae Variant Classification Sherloc (09022015). Collection method: clinical testing. Allele origin: germline.
Comment: This sequence change replaces aspartic acid, which is acidic and polar, with asparagine, which is neutral and polar, at codon 1879 of the RYR1 protein (p.Asp1879Asn). This variant is not present in population databases (gnomAD no frequency). This variant has not been reported in the literature in individuals affected with RYR1-related conditions. Advanced modeling of protein sequence and biophysical properties (such as structural, functional, and spatial information, amino acid conservation, physicochemical variation, residue mobility, and thermodynamic stability) performed at Invitae indicates that this missense variant is not expected to disrupt RYR1 protein function with a negative predictive value of 95%. In summary, the available evidence is currently insufficient to determine the role of this variant in disease. Therefore, it has been classified as a Variant of Uncertain Significance.

NM_000540.3(RYR1):c.5635G>A (p.Asp1879Asn)

Gene: RYR1 (ryanodine receptor 1; plus strand). Cytogenetic location: 19q13.2.
Variant type: single nucleotide variant.
Coding change: c.5635G>A on transcript NM_000540.3 (MANE Select); coding-DNA position 5635, G replaced by A.
Protein change: p.Asp1879Asn; replaces aspartic acid 1879 with asparagine.
Molecular consequence: missense variant.
Genome position (GRCh38, 1-based): chr19:38,489,264, G>A. VCF-style: chr19-38489264-G-A. GRCh37 (hg19) VCF-style: chr19-38979904-G-A.
Other names: c.5635G>A, p.Asp1879Asn (NM_001042723.2); short protein forms D1879N.
Identifiers: ClinVar variation 3671571 (VCV003671571.2).